The following is an entry in ClinVar:

ClinVar aggregate classification (germline): Uncertain significance. Review status: criteria provided, multiple submitters, no conflicts (2 of 4 stars). 14 submissions from 14 submitters: Uncertain significance (11). 3 of the submissions do not count toward it. Last evaluated 2026-10-23.

Conditions:
CHEK2-related cancer predisposition (TPDS4). Also called: CHEK2-related cancer susceptibility; TUMOR PREDISPOSITION SYNDROME 4; CANCER PREDISPOSITION SYNDROME, CHEK2-RELATED. Identifiers: Orphanet 524, MedGen C5882668, MONDO:0700271, OMIM 609265.
Familial prostate cancer. Also called: Hereditary Prostate Cancer. Identifiers: MedGen C2931456, MONDO:0700275, OMIM 176807.
Bone osteosarcoma. Also called: Osteosarcoma, somatic. Identifiers: Orphanet 668, MedGen C0585442, MONDO:0002629, OMIM 259500.
Hereditary cancer-predisposing syndrome. Also called: Hereditary Cancer Syndrome; Neoplastic Syndromes, Hereditary; Tumor predisposition; Hereditary neoplastic syndrome. Identifiers: Orphanet 140162, MedGen C0027672, MeSH D009386, MONDO:0015356.
Hereditary breast ovarian cancer syndrome. Also called: Hereditary breast and ovarian cancer; Hereditary breast and ovarian cancer syndrome (HBOC); Hereditary breast and/or ovarian cancer syndrome; Hereditary breast and ovarian cancer syndrome; Breast and ovarian cancer; BRCA1- and BRCA2-Associated Hereditary Breast and Ovarian Cancer. Identifiers: Orphanet 145, MedGen C0677776, MeSH D061325, MONDO:0003582. Disease mechanism: loss of function.
Familial cancer of breast. Also called: Hereditary breast cancer; hereditary breast carcinoma; BREAST CANCER, FAMILIAL. Identifiers: Orphanet 227535, MedGen C0346153, MONDO:0016419, OMIM 114480. Disease mechanism: loss of function.

Allele frequency attached by ClinVar (database versions not stated): TOPMed below 0.00001; gnomAD exomes 0.00001.
gnomAD v4.1: 5 of 1,614,184 alleles (0.00031%); highest among the groups gnomAD compares: Non-Finnish European, 0.00042%; no homozygotes.

Submissions 1 to 9 of 14:

Gene Mapping Laboratory, Hacettepe University
Classification: Uncertain significance for CHEK2-related cancer predisposition. Last evaluated: 2026-10-23. Review status: criteria provided, single submitter. Criteria: ACMG Guidelines, 2015. Collection method: research. Allele origin: maternal. Affected: yes. Observed: 1 variant allele, 1 heterozygote.
Comment: This rare missense variant affects a residue within the functionally critical FHA domain of CHEK2 (PM1). It is reported rarely in population databases (PM2) and computational predictions suggest a deleterious effect (PP3). The available evidence is insufficient to establish pathogenicity.

Labcorp Genetics (formerly Invitae), Labcorp
Classification: Uncertain significance for Familial cancer of breast. Last evaluated: 2025-12-08. Review status: criteria provided, single submitter. Criteria: Invitae Variant Classification Sherloc (09022015). Collection method: clinical testing. Allele origin: germline.
Comment: This sequence change replaces lysine, which is basic and polar, with threonine, which is neutral and polar, at codon 141 of the CHEK2 protein (p.Lys141Thr). This variant is not present in population databases (gnomAD no frequency). This missense change has been observed in individual(s) with breast cancer (PMID: 25186627, 26976419, 27616075, 33558524, 33980423). ClinVar contains an entry for this variant (Variation ID: 186751). An algorithm developed to predict the effect of missense changes on protein structure and function (PolyPhen-2) suggests that this variant is likely to be disruptive. Experimental studies have shown that this missense change does not substantially affect CHEK2 function (PMID: 37449874). In summary, the available evidence is currently insufficient to determine the role of this variant in disease. Therefore, it has been classified as a Variant of Uncertain Significance.

German Consortium for Hereditary Breast and Ovarian Cancer, University Hospital Cologne
Classification: Uncertain significance for Hereditary breast ovarian cancer syndrome. Last evaluated: 2025-10-14. Review status: criteria provided, single submitter. Criteria: ACMG Guidelines, 2015. Collection method: curation. Allele origin: germline.
Comment: This classification follows the ACMG SVI adaptation classification scheme; We chose these criteria: PM2 (supporting pathogenic): absent from gnomAD v2/3; 5x het in gnomAD v4.1.0 (Grpmax FAF = 0.000001240 = 0.0001%), PP3 (supporting pathogenic): REVEL: 0.738

Ambry Genetics
Classification: Uncertain significance for Hereditary cancer-predisposing syndrome. Last evaluated: 2025-06-12. Review status: criteria provided, single submitter. Criteria: Ambry Variant Classification Scheme 2023. Collection method: clinical testing. Allele origin: germline.
Comment: The p.K141T variant (also known as c.422A>C), located in coding exon 2 of the CHEK2 gene, results from an A to C substitution at nucleotide position 422. The lysine at codon 141 is replaced by threonine, an amino acid with similar properties. This alteration has been identified in individuals with personal and/or family histories of breast cancer (Tung N et al. J. Clin. Oncol. 2016 May;34:1460-8; Kraus C et al. Int J Cancer, 2017 Jan;140:95-102; Hauke J et al. Cancer Med. 2018 Apr;7:1349-1358; Akcay IM et al. Int J Cancer, 2021 Jan;148:285-295; Moradian MM et al. Hum Genome Var, 2021 Feb;8:9; G&uuml;le&ccedil; Ceylan G et al. Tohoku J Exp Med, 2022 Nov;258:319-325). This alteration was reported as intermediate in an mES cell-based assay of CHEK2 activity (Boonen RACM et al. Cancer Res, 2022 Feb;82:615-631). This variant was reported as functional in a study assessing CHEK2-complementation through quantification of KAP1 phosphorylation and CHK2 autophosphorylation in human RPE1-CHEK2-knockout cells (Stolarova L et al. Clin Cancer Res, 2023 Aug;29:3037-3050). This amino acid position is highly conserved in available vertebrate species. In addition, this alteration is predicted to be deleterious by in silico analysis. Based on the available evidence, the clinical significance of this variant remains unclear.

Color Diagnostics, LLC DBA Color Health
Classification: Uncertain significance for Hereditary cancer-predisposing syndrome. Last evaluated: 2025-03-04. Review status: criteria provided, single submitter. Criteria: ACMG Guidelines, 2015. Collection method: clinical testing. Allele origin: germline.
Comment: This missense variant replaces lysine with threonine at codon 141 in the FHA domain of the CHEK2 protein. Computational prediction suggests that this variant may have deleterious impact on protein structure and function. One functional study has shown this variant to have intermediate impact on CHEK2 auto-phosphorylation and phosphorylation of CHEK2 substrate KAP1 in a mouse embryonic stem cell based assay (PMID: 34903604), while another similar kinase activity study in a CHEK2-deficient human cell based assay has shown this variant to have no significant impact on kinase activity (PMID: 37449874). This variant has been reported in at least four individuals affected with breast cancer (PMID: 26976419, 27616075, 25186627, 33558524, 33980423). In a large breast cancer case-control meta analysis conducted by the BRIDGES consortium, this variant has shown an inconclusive association with breast cancer (4/60466 cases and 0/53461 controls; p-value=0.128) (PMID: 33471991). This variant has not been identified in the general population by the Genome Aggregation Database (gnomAD). Although there is a suspicion that this variant may have a pathogenic role, the available functional evidence is conflicting, and clinical evidence is insufficient to determine the association of this variant with breast cancer conclusively. Therefore, this variant is classified as a Variant of Uncertain Significance.

Women's Health and Genetics/Laboratory Corporation of America, LabCorp
Classification: Uncertain significance. Last evaluated: 2024-09-03. Review status: criteria provided, single submitter. Criteria: LabCorp Variant Classification Summary - May 2015. Collection method: clinical testing. Allele origin: germline.
Comment: Variant summary: CHEK2 c.422A>C (p.Lys141Thr) results in a non-conservative amino acid change located in the Forkhead-associated (FHA) domain (IPR000253) of the encoded protein sequence. Five of five in-silico tools predict a damaging effect of the variant on protein function. The variant has been found at a frequency of 3.1e-06 in control population (gnomAD). c.422A>C has been reported in the literature in individuals affected with Hereditary Breast And/or Ovarian Cancer Syndrome (Kraus_2017, Moradian_2021). These data do not allow any conclusion about variant significance. At least one publication reports experimental evidence evaluating an impact on protein function. The most pronounced variant effect results in an intermediate effect (43% reduction) on phosphorylation of its substrate Kap1 in a mouse embryonic stem (mES) cellbased system (Boonen_2022). The following publications have been ascertained in the context of this evaluation (PMID: 34903604, 27616075, 33558524). ClinVar contains an entry for this variant (Variation ID: 186751). Based on the evidence outlined above, the variant was classified as uncertain significance.

Fulgent Genetics
Classification: Uncertain significance for Familial prostate cancer; Bone osteosarcoma; CHEK2-related cancer predisposition. Last evaluated: 2024-01-19. Review status: criteria provided, single submitter. Criteria: ACMG Guidelines, 2015. Collection method: clinical testing. Allele origin: germline.

Myriad Genetics, Inc.
Classification: Uncertain significance for Familial cancer of breast. Last evaluated: 2023-03-08. Review status: criteria provided, single submitter. Criteria: Myriad Autosomal Dominant, Autosomal Recessive and X-Linked Classification Criteria (2023). Collection method: clinical testing. Allele origin: unknown.
Comment: This variant is classified as a variant of uncertain significance as there is insufficient evidence to determine its impact on protein function and/or cancer risk.

Institute for Clinical Genetics, University Hospital TU Dresden, University Hospital TU Dresden
Classification: Uncertain significance. Last evaluated: 2021-11-03. Review status: criteria provided, single submitter. Criteria: ACMG Guidelines, 2015. Collection method: clinical testing. Allele origin: germline.

NM_007194.4(CHEK2):c.422A>C (p.Lys141Thr)

Gene: CHEK2 (checkpoint kinase 2; minus strand). Cytogenetic location: 22q12.1.
Variant type: single nucleotide variant.
Coding change: c.422A>C on transcript NM_007194.4 (MANE Select); coding-DNA position 422, A replaced by C.
Protein change: p.Lys141Thr; replaces lysine 141 with threonine.
Molecular consequence: missense variant.
Genome position (GRCh38, 1-based): chr22:28,725,265, T>G on the plus strand (A>C on the coding strand, the complement: CHEK2 is on the minus strand). VCF-style: chr22-28725265-T-G. GRCh37 (hg19) VCF-style: chr22-29121253-T-G.
Other names: c.551A>C, p.Lys184Thr (NM_001005735.3); c.-356A>C (NM_001257387.3); c.422A>C, p.Lys141Thr (NM_001349956.3, NM_145862.3); short protein forms K141T, K184T.
Identifiers: ClinVar variation 186751 (VCV000186751.38), dbSNP rs786203192, ClinGen allele CA195763.
Genomic context (GRCh38, chr22:28,725,265, plus strand): 5'-TACCAGCTCTCCTAGATACATGGGTATTCATTACCTACCCTGAAAATCCGAAAGTGTTTC[T>G]TGCTGTATGTTCGGTATTTATCTGTTCTTTTCAGCAGTGGTTCATCAAAGCAATATTCAC-3'
Protein context (NP_009125.1, residues 131-151): KRTDKYRTYS[Lys141Thr]KHFRIFREVG